The following is an entry in ClinVar:

ClinVar aggregate classification (germline): Uncertain significance (1 of 4 stars; one submission).

gnomAD v4.1: 10 of 1,609,938 alleles (0.00062%); highest among the groups gnomAD compares: Non-Finnish European, 0.00085%; no homozygotes.

Submission:

Labcorp Genetics (formerly Invitae), Labcorp
Classification: Uncertain significance. Last evaluated: 2022-08-09. Review status: criteria provided, single submitter. Criteria: Invitae Variant Classification Sherloc (09022015). Collection method: clinical testing. Allele origin: germline.
Comment: In summary, the available evidence is currently insufficient to determine the role of this variant in disease. Therefore, it has been classified as a Variant of Uncertain Significance. This sequence change replaces valine, which is neutral and non-polar, with leucine, which is neutral and non-polar, at codon 375 of the NECTIN1 protein (p.Val375Leu). This variant is not present in population databases (gnomAD no frequency). This variant has not been reported in the literature in individuals affected with NECTIN1-related conditions. ClinVar contains an entry for this variant (Variation ID: 1470763). Algorithms developed to predict the effect of missense changes on protein structure and function (SIFT, PolyPhen-2, Align-GVGD) all suggest that this variant is likely to be tolerated.

NM_002855.5(NECTIN1):c.1123G>T (p.Val375Leu)

Gene: NECTIN1 (nectin cell adhesion molecule 1; minus strand). Cytogenetic location: 11q23.3.
Variant type: single nucleotide variant.
Coding change: c.1123G>T on transcript NM_002855.5 (MANE Select); coding-DNA position 1123, G replaced by T.
Protein change: p.Val375Leu; replaces valine 375 with leucine.
Molecular consequence: missense variant. On other transcripts: intron variant (1).
Genome position (GRCh38, 1-based): chr11:119,665,178, C>A on the plus strand (G>T on the coding strand, the complement: NECTIN1 is on the minus strand). VCF-style: chr11-119665178-C-A. GRCh37 (hg19) VCF-style: chr11-119535888-C-A.
Other names: c.1003+9981G>T (NM_203285.2); short protein forms V375L.
Identifiers: ClinVar variation 1470763 (VCV001470763.6), dbSNP rs145005973, ClinGen allele CA382983518.
Genomic context (GRCh38, chr11:119,665,178, plus strand): 5'-CGTGCTTCTTGGTGCTGTAGTCACCCTTGAAGGTGTGCCGGCGCCGACGCAGGGCGACCA[C>A]GATCCCGCCGACCACAATCAACACCAGCAGGATGCTCCCCGCCACGCCCCCAATGATGGC-3'
Protein context (NP_002846.3, residues 365-385): LLVLIVVGGI[Val375Leu]VALRRRRHTF